The following is an entry in ClinVar:

ClinVar aggregate classification (germline): Uncertain significance (1 of 4 stars; one submission).

Conditions:
Cardiovascular phenotype. Identifiers: MedGen CN230736.

gnomAD v4.1: 9 of 1,613,606 alleles (0.00056%); highest among the groups gnomAD compares: Non-Finnish European, 0.00068%; no homozygotes.

Submission:

Ambry Genetics
Classification: Uncertain significance for Cardiovascular phenotype. Last evaluated: 2022-12-14. Review status: criteria provided, single submitter. Criteria: Ambry Variant Classification Scheme 2023. Collection method: clinical testing. Allele origin: germline.
Comment: The p.R327M variant (also known as c.980G>T), located in coding exon 8 of the NEXN gene, results from a G to T substitution at nucleotide position 980. The arginine at codon 327 is replaced by methionine, an amino acid with similar properties. This amino acid position is conserved. In addition, the in silico prediction for this alteration is inconclusive. Since supporting evidence is limited at this time, the clinical significance of this alteration remains unclear.

NM_144573.4(NEXN):c.980G>T (p.Arg327Met)

Gene: NEXN (nexilin F-actin binding protein; plus strand). Cytogenetic location: 1p31.1.
Variant type: single nucleotide variant.
Coding change: c.980G>T on transcript NM_144573.4 (MANE Select); coding-DNA position 980, G replaced by T.
Protein change: p.Arg327Met; replaces arginine 327 with methionine.
Molecular consequence: missense variant.
Genome position (GRCh38, 1-based): chr1:77,929,431, G>T. VCF-style: chr1-77929431-G-T. GRCh37 (hg19) VCF-style: chr1-78395116-G-T.
Other names: c.788G>T, p.Arg263Met (NM_001172309.2); short protein forms R327M, R263M.
Identifiers: ClinVar variation 2450351 (VCV002450351.2), dbSNP rs1265217475, ClinGen allele CA340875448.
Genomic context (GRCh38, chr1:77,929,431, plus strand): 5'-CTGGTAAACTCAAACTCAGTTTTGAAGAAATGGAAAGGCAAAGAAGAGAAGATGAAAAAA[G>T]GAAAGCAGAAGAAGAAGCCAGAAGGAGAATAGAGGAAGAAAAGAAGGCGTTTGCTGAAGC-3'
Protein context (NP_653174.3, residues 317-337): MERQRREDEK[Arg327Met]KAEEEARRRI